The following is an entry in ClinVar:

NM_001042492.3(NF1):c.1721+453T>G

Gene: NF1 (neurofibromin 1; plus strand). Cytogenetic location: 17q11.2.
Variant type: single nucleotide variant.
Coding change: c.1721+453T>G on transcript NM_001042492.3 (MANE Select); 453 bases into the intron after coding-DNA position 1721, T replaced by G.
Molecular consequence: intron variant. On other transcripts: 3 prime UTR variant (1).
Genome position (GRCh38, 1-based): chr17:31,222,382, T>G. VCF-style: chr17-31222382-T-G. GRCh37 (hg19) VCF-style: chr17-29549400-T-G.
Other names: c.*392T>G (NM_001128147.3); c.1721+453T>G (NM_000267.4).
Identifiers: ClinVar variation 3238441 (VCV003238441.2), dbSNP rs2508114912.
Genomic context (GRCh38, chr17:31,222,382, plus strand): 5'-TGTAATACCAATGCTTTCGATGAATGAATTAATAATGGACACCTGCTTAGAAGAAAAAAA[T>G]GTATGCAGAATTTTGTGGTCTGCTTCCTAGATTATACAAATCATTACATTTTAATGAGCA-3'

ClinVar aggregate classification (germline): Uncertain significance (1 of 4 stars; one submission).

Conditions:
Hereditary cancer-predisposing syndrome. Also called: Neoplastic Syndromes, Hereditary; Tumor predisposition; Hereditary neoplastic syndrome; Hereditary Cancer Syndrome. Identifiers: Orphanet 140162, MedGen C0027672, MeSH D009386, MONDO:0015356.
Cardiovascular phenotype. Identifiers: MedGen CN230736.

Submission:

Ambry Genetics
Classification: Uncertain significance for Cardiovascular phenotype; Hereditary cancer-predisposing syndrome. Last evaluated: 2025-09-03. Review status: criteria provided, single submitter. Criteria: Ambry Variant Classification Scheme 2023. Collection method: clinical testing. Allele origin: germline.
Comment: The c.1721+453T>G intronic variant results from a T to G substitution 453 nucleotides after coding exon 15 in the NF1 gene. This nucleotide position is well conserved in available vertebrate species. In silico splice site analysis predicts that this alteration will result in the creation or strengthening of a novel splice donor site; however, direct evidence is insufficient at this time (Ambry internal data). Based on the available evidence, the clinical significance of this alteration remains unclear.